The following is an entry in ClinVar:

ClinVar aggregate classification (germline): Likely benign. Review status: criteria provided, multiple submitters, no conflicts (2 of 4 stars). 4 submissions from 4 submitters: Likely benign (3). 1 of the submissions does not count toward it. Last evaluated 2026-02-02.

Conditions:
Nemaline myopathy 2 (NEM2). Also called: Nemaline myopathy 2, autosomal recessive. Identifiers: MedGen C1850569, MONDO:0009725, OMIM 256030.

Allele frequency attached by ClinVar (database versions not stated): gnomAD exomes 0.00002.

Submissions (4):

Labcorp Genetics (formerly Invitae), Labcorp
Classification: Likely benign for Nemaline myopathy 2. Last evaluated: 2026-02-02. Review status: criteria provided, single submitter. Criteria: Invitae Variant Classification Sherloc (09022015). Collection method: clinical testing. Allele origin: germline.

GeneDx
Classification: Likely benign. Last evaluated: 2020-11-16. Review status: criteria provided, single submitter. Criteria: GeneDx Variant Classification Process June 2021. Collection method: clinical testing. Allele origin: germline. Affected: yes.

Laboratory for Molecular Medicine, Mass General Brigham Personalized Medicine
Classification: Likely benign. Last evaluated: 2015-09-14. Review status: criteria provided, single submitter. Criteria: LMM Criteria. Collection method: clinical testing. Allele origin: germline. Observed: 1 variant allele.
Comment: p.Val4161Val in exon 82 of NEB: This variant is not expected to have clinical si gnificance because it does not alter an amino acid residue and is not located wi thin the splice consensus sequence. This variant resides within NEB exons 82-105 , which includes three repetitive blocks (of 8 exons each) that are nearly ident ical in sequence. Due to the sequence homology in this region, our method is una ble to determine which of these three blocks this variant is located in. However , since in all three repetitive blocks the impact of this variant is a silent am ino acid change, it is not expected to have clinical significance and is classif ied as likely benign.

Natera, Inc.
Classification: Likely benign for Nemaline myopathy type 2. Last evaluated: 2020-09-16. Review status: no assertion criteria provided. Collection method: clinical testing. Allele origin: germline. Not counted in ClinVar's aggregate classification.

NM_001164508.2(NEB):c.12483C>T (p.Val4161=)

Gene: NEB (nebulin; minus strand). Cytogenetic location: 2q23.3.
Variant type: single nucleotide variant.
Coding change: c.12483C>T on transcript NM_001164508.2 (MANE Select); coding-DNA position 12483, C replaced by T.
Protein change: p.Val4161=; no amino-acid change (valine 4161 retained).
Molecular consequence: synonymous variant. On other transcripts: intron variant (1).
Genome position (GRCh38, 1-based): chr2:151,608,524, G>A on the plus strand (C>T on the coding strand, the complement: NEB is on the minus strand). VCF-style: chr2-151608524-G-A. GRCh37 (hg19) VCF-style: chr2-152465038-G-A.
Other names: c.12483C>T, p.Val4161= (NM_001164507.2, NM_001271208.2); c.11601+1285C>T (NM_004543.5).
Identifiers: ClinVar variation 227723 (VCV000227723.20), dbSNP rs876657539, ClinGen allele CA10576444.